The following is an entry in ClinVar:

NM_013266.4(CTNNA3):c.2053A>C (p.Ser685Arg)

Gene: CTNNA3 (catenin alpha 3; minus strand). Cytogenetic location: 10q21.3.
Variant type: single nucleotide variant.
Coding change: c.2053A>C on transcript NM_013266.4 (MANE Select); coding-DNA position 2053, A replaced by C.
Protein change: p.Ser685Arg; replaces serine 685 with arginine.
Molecular consequence: missense variant.
Genome position (GRCh38, 1-based): chr10:66,069,414, T>G on the plus strand (A>C on the coding strand, the complement: CTNNA3 is on the minus strand). VCF-style: chr10-66069414-T-G. GRCh37 (hg19) VCF-style: chr10-67829172-T-G.
Other names: c.2053A>C, p.Ser685Arg (NM_001127384.3); short protein forms S685R.
Identifiers: ClinVar variation 2756091 (VCV002756091.3), dbSNP rs199697536, ClinGen allele CA377089692.

ClinVar aggregate classification (germline): Uncertain significance (1 of 4 stars; one submission).

Conditions:
Arrhythmogenic right ventricular dysplasia 13. Also called: Arrhythmogenic right ventricular dysplasia, familial, 13; ARRHYTHMOGENIC RIGHT VENTRICULAR CARDIOMYOPATHY 13. Identifiers: MedGen C3810138, MONDO:0000908, OMIM 615616.

Submission:

Labcorp Genetics (formerly Invitae), Labcorp
Classification: Uncertain significance for Arrhythmogenic right ventricular dysplasia 13. Last evaluated: 2023-09-13. Review status: criteria provided, single submitter. Criteria: Invitae Variant Classification Sherloc (09022015). Collection method: clinical testing. Allele origin: germline.
Comment: Advanced modeling of protein sequence and biophysical properties (such as structural, functional, and spatial information, amino acid conservation, physicochemical variation, residue mobility, and thermodynamic stability) performed at Invitae indicates that this missense variant is not expected to disrupt CTNNA3 protein function. This variant has not been reported in the literature in individuals affected with CTNNA3-related conditions. This variant is not present in population databases (gnomAD no frequency). This sequence change replaces serine, which is neutral and polar, with arginine, which is basic and polar, at codon 685 of the CTNNA3 protein (p.Ser685Arg). In summary, the available evidence is currently insufficient to determine the role of this variant in disease. Therefore, it has been classified as a Variant of Uncertain Significance.